The following is an entry in ClinVar:

ClinVar aggregate classification (germline): Pathogenic (1 of 4 stars; one submission).

Conditions:
Long QT syndrome 2 (LQT2). Identifiers: Orphanet 101016, Orphanet 768, MedGen C3150943, MONDO:0013367, OMIM 613688.

Submission:

Victorian Clinical Genetics Services, Murdoch Childrens Research Institute
Classification: Pathogenic for Long QT syndrome 2. Last evaluated: 2023-07-17. Review status: criteria provided, single submitter. Criteria: ACMG Guidelines, 2015. Collection method: clinical testing. Allele origin: germline. Inheritance: Autosomal dominant inheritance. Affected: yes.
Comment: Based on the classification scheme VCGS_Germline_v1.3.4, this variant is classified as Pathogenic. Following criteria are met: 0103 - Dominant negative and loss of function are known mechanisms of disease in this gene and are associated with long QT syndrome 2 (MIM#613688). Gain of function is also a known mechanism associated with short QT syndrome 1 (MIM#609620) (OMIM, PMID: 10753933; 21777565). (I) 0107 - This gene is associated with autosomal dominant disease. (I) 0112 - The condition associated with this gene has incomplete penetrance (GeneReviews). (I) 0205 - Variant is predicted to result in a truncated protein (premature termination codon is NOT located at least 54 nucleotides upstream of the final exon-exon junction) with less than 1/3 of the protein sequence affected. (SP) 0251 - This variant is heterozygous. (I) 0301 - Variant is absent from gnomAD (both v2 and v3). (SP) 0705 - No comparable downstream protein truncating variants have previous evidence for pathogenicity. (I) 0807 - This variant has no previous evidence of pathogenicity. While reported in Australian cohorts of LQTS and sudden death, it is uncertain if they are the same family as this individual (PMID: 27920829, 30380018). (I) 0901 - This variant has strong evidence for segregation with disease. (SP) 1007 - No published functional evidence has been identified for this variant. (I) Legend: (SP) - Supporting pathogenic, (I) - Information, (SB) - Supporting benign

Literature cited by the submitters: PubMed 10753933; PubMed 21777565; PubMed 27920829; PubMed 30380018.

NM_000238.4(KCNH2):c.3355G>T (p.Glu1119Ter)

Gene: KCNH2 (potassium voltage-gated channel subfamily H member 2; minus strand). Cytogenetic location: 7q36.1.
Variant type: single nucleotide variant.
Coding change: c.3355G>T on transcript NM_000238.4 (MANE Select); coding-DNA position 3355, G replaced by T.
Protein change: p.Glu1119Ter; replaces glutamic acid 1119 with a stop codon.
Molecular consequence: nonsense. On other transcripts: non-coding transcript variant (2).
Genome position (GRCh38, 1-based): chr7:150,945,490, C>A on the plus strand (G>T on the coding strand, the complement: KCNH2 is on the minus strand). VCF-style: chr7-150945490-C-A. GRCh37 (hg19) VCF-style: chr7-150642578-C-A.
Other names: c.3067G>T, p.Glu1023Ter (NM_001406753.1); c.2335G>T, p.Glu779Ter (NM_172057.3); short protein forms E1023*, E1119*, E779*.
Identifiers: ClinVar variation 3254535 (VCV003254535.1), dbSNP rs199473033.